The following is an entry in ClinVar:

NM_004364.5(CEBPA):c.931CAG[3] (p.Gln312_Lys313insGln)

Gene: CEBPA (CCAAT enhancer binding protein alpha; minus strand). Cytogenetic location: 19q13.11.
Variant type: Microsatellite.
Coding change: c.931CAG[3] on transcript NM_004364.5 (MANE Select); three copies in a row of the 3-base unit CAG starting at c.931; the reference has two copies in a row; one copy, 3 bases duplicated.
Protein change: p.Gln312_Lys313insGln.
Molecular consequence: inframe insertion.
Genome position (GRCh38, 1-based): chr19:33,301,479-33,301,481, CTG duplicated on the plus strand (CAG on the coding strand, the reverse complement: CEBPA is on the minus strand); duplicating any 3 consecutive bases within chr19:33,301,479-33,301,485 gives the same sequence; the position shown is the placement nearest the transcript's 3' end. VCF-style (leftmost placement, unchanged base first): chr19-33301478-T-TCTG. GRCh37 (hg19) VCF-style: chr19-33792384-T-TCTG.
Other names: c.574CAG[3], p.Gln193_Lys194insGln (NM_001285829.2); c.1036CAG[3], p.Gln347_Lys348insGln (NM_001287424.2); c.889CAG[3], p.Gln298_Lys299insGln (NM_001287435.2); c.934_936dupCAG (NM_004364.5).
Identifiers: ClinVar variation 1343796 (VCV001343796.1), dbSNP rs2513328365, ClinGen allele CA645612516.
Genomic context (GRCh38, chr19:33,301,478, plus strand): 5'-GGCTCAGCTGTTCCACCCGCTTGCGCAGGCGGTCATTGTCACTGGTCAGCTCCAGCACCT[T>TCTG]CTGCTGCGTCTCCACGTTGCGCTGCTTGGCCTTGTCGCGGCTCTTGCGCACCGCGATGTT-3'

ClinVar aggregate classification (germline): Likely pathogenic (1 of 4 stars; one submission).

Conditions:
Acute myeloid leukemia (AML). Also called: Leukemia, acute myeloid, somatic; Leukemia, acute myelogenous, somatic; Acute myeloid leukemia, adult; AML adult; Acute non-lymphocytic leukemia; Acute granulocytic leukemia. Identifiers: Orphanet 519, MedGen C0023467, MeSH D015470, MONDO:0018874, OMIM 601626, HP:0004808. Disease mechanism: Constitutively activated FLT3.

Submission:

Genomic Diagnostics Laboratory, National Institute of Medical Genomics
Classification: Likely pathogenic for Acute myeloid leukemia. Review status: criteria provided, single submitter. Criteria: AMP Guidelines, 2017. Collection method: clinical testing. Allele origin: somatic. Affected: yes.
Comment: The variant was detected in bone marrow from patients, but it was not confirmed in the matched